The following is an entry in ClinVar:

NM_001374736.1(DST):c.14959T>C (p.Leu4987=)

Gene: DST (dystonin; minus strand). Cytogenetic location: 6p12.1.
Variant type: single nucleotide variant.
Coding change: c.14959T>C on transcript NM_001374736.1 (MANE Select); coding-DNA position 14959, T replaced by C.
Protein change: p.Leu4987=; no amino-acid change (leucine 4987 retained).
Molecular consequence: synonymous variant.
Genome position (GRCh38, 1-based): chr6:56,555,522, A>G on the plus strand (T>C on the coding strand, the complement: DST is on the minus strand). VCF-style: chr6-56555522-A-G. GRCh37 (hg19) VCF-style: chr6-56420320-A-G.
Other names: c.8602T>C, p.Leu2868= (NM_001144769.5); c.8188T>C, p.Leu2730= (NM_001144770.2); c.14959T>C, p.Leu4987= (NM_001374722.1); c.14326T>C, p.Leu4776= (NM_001374729.1); c.8068T>C, p.Leu2690= (NM_001374730.1, NM_001386100.1, NM_183380.4); c.14986T>C, p.Leu4996= (NM_001374734.1); c.7090T>C, p.Leu2364= (NM_015548.5).
Identifiers: ClinVar variation 796206 (VCV000796206.25), dbSNP rs78470764, ClinGen allele CA3867895.

ClinVar aggregate classification (germline): Benign/Likely benign. Review status: criteria provided, multiple submitters, no conflicts (2 of 4 stars). 2 submissions from 2 submitters: Benign (1); Likely benign (1). Last evaluated 2026-01-05.

Conditions:
Hereditary sensory and autonomic neuropathy type 6. Also called: HSAN VI; Neuropathy, hereditary sensory and autonomic, type VI. Identifiers: Orphanet 314381, MedGen C3539003, MONDO:0013839, OMIM 614653.
Epidermolysis bullosa simplex 3, localized or generalized intermediate, with BP230 deficiency (EBS3). Also called: Epidermolysis bullosa simplex, autosomal recessive 2; Epidermolysis bullosa simplex due to BP230 deficiency. Identifiers: Orphanet 412181, MedGen C3809470, MONDO:0014180, OMIM 615425.

Allele frequency attached by ClinVar (database versions not stated): TOPMed 0.00229; gnomAD exomes 0.00021 and 0.00045; ExAC 0.00056; gnomAD 0.00210 and 0.00192; ESP Exome Variant Server 0.00306; 1000 Genomes Project 0.00120; 1000 Genomes Project 30x 0.00125.
gnomAD v4.1: 615 of 1,613,796 alleles (0.038%); highest among the groups gnomAD compares: African/African-American, 0.73%; 3 homozygotes.

Submissions (2):

Labcorp Genetics (formerly Invitae), Labcorp
Classification: Benign for Epidermolysis bullosa simplex 3, localized or generalized intermediate, with BP230 deficiency; Hereditary sensory and autonomic neuropathy type 6. Last evaluated: 2026-01-05. Review status: criteria provided, single submitter. Criteria: Invitae Variant Classification Sherloc (09022015). Collection method: clinical testing. Allele origin: germline.

CeGaT Center for Human Genetics Tuebingen
Classification: Likely benign. Last evaluated: 2024-10-01. Review status: criteria provided, single submitter. Criteria: CeGaT Center For Human Genetics Tuebingen Variant Classification Criteria Version 2. Collection method: clinical testing. Allele origin: germline. Affected: yes. Observed: 1 variant allele.
Comment: DST: BP4, BP7